The following is an entry in ClinVar:

ClinVar aggregate classification (germline): Pathogenic/Likely pathogenic. Review status: criteria provided, multiple submitters, no conflicts (2 of 4 stars). 8 submissions from 8 submitters: Pathogenic (1); Likely pathogenic (7). Last evaluated 2026-09-17.

Conditions:
FBXW11-related disorders.
Neurodevelopmental, jaw, eye, and digital syndrome (NEDJED). Identifiers: MedGen C5394477, MONDO:0030057, OMIM 618914.
FBXW11-related neurodevelopmental, brain, eye, and digit anomalies.

Submissions (8):

GeneDx
Classification: Pathogenic. Last evaluated: 2026-09-17. Review status: criteria provided, single submitter. Criteria: GeneDx Variant Classification Process June 2021. Collection method: clinical testing. Allele origin: germline.
Comment: Not observed at significant frequency in large population cohorts (gnomAD); In silico analysis supports that this missense variant has a deleterious effect on protein structure/function; This variant is associated with the following publications: (PMID: 39039281)

Suzhou Clinical Center for Rare Diseases in Children, Children's Hospital of Soochow University
Classification: Likely pathogenic for Neurodevelopmental, jaw, eye, and digital syndrome. Last evaluated: 2024-09-01. Review status: criteria provided, single submitter. Criteria: ACMG Guidelines, 2015. Collection method: clinical testing. Allele origin: de novo. Affected: yes.
Comment: This variant has not been recorded in the gnomAD database (v4.1.0) (PM2_Supproting). Revel score is 0.93 (PP3_Morderate). According to the ACMG guidelines, this mutation is interpreted as likely pathogenic (PS2+PM2_Supproting+PP3_Morderate).

Blueprint Genetics
Classification: Likely pathogenic for FBXW11-related disorders. Last evaluated: 2024-06-13. Review status: criteria provided, single submitter. Criteria: ACMG Guidelines, 2015. Collection method: clinical testing. Allele origin: germline. Affected: yes. Observed: 1 variant allele.

CeGaT Center for Human Genetics Tuebingen
Classification: Likely pathogenic. Last evaluated: 2024-04-01. Review status: criteria provided, single submitter. Criteria: CeGaT Center For Human Genetics Tuebingen Variant Classification Criteria Version 2. Collection method: clinical testing. Allele origin: germline. Affected: yes. Observed: 1 variant allele.
Comment: FBXW11: PM2, PP2, PP3, PS2:Supporting, PS4:Supporting

Institute of Human Genetics, University of Leipzig Medical Center
Classification: Likely pathogenic for Neurodevelopmental, jaw, eye, and digital syndrome. Last evaluated: 2024-02-22. Review status: criteria provided, single submitter. Criteria: ACMG Guidelines, 2015. Collection method: clinical testing. Allele origin: de novo. Inheritance: Autosomal dominant inheritance. Affected: yes.
Comment: Criteria applied: PS2_MOD,PS4_SUP,PM2_SUP,PP2,PP3

Institute of Human Genetics Munich, TUM University Hospital
Classification: Likely pathogenic for Neurodevelopmental, jaw, eye, and digital syndrome. Last evaluated: 2021-09-13. Review status: criteria provided, single submitter. Criteria: Classification criteria August 2017. Collection method: clinical testing. Allele origin: maternal. Inheritance: Autosomal dominant inheritance. Affected: yes. Observed: 1 variant allele.

Illumina Laboratory Services, Illumina
Classification: Likely pathogenic for FBXW11-related neurodevelopmental, brain, eye, and digit anomalies. Last evaluated: 2021-03-25. Review status: criteria provided, single submitter. Criteria: ICSLVariantClassificationCriteria RUGD 01 April 2020. Collection method: clinical testing. Allele origin: unknown.
Comment: The FBXW11 c.793T>C (p.Trp265Arg) variant is a missense variant. A literature search was conducted for the gene, cDNA change, and amino acid change. No publications were identified through this search. The p.Trp265Arg variant is not found in the Genome Aggregation Database in a region of good sequencing coverage. It is therefore presumed to be rare. This variant is located in the first of seven WD40 domains, which are believed to be important for secondary protein structure and protein-protein interactions. In silico tools also consistently predict this variant to have a deleterious effect, but these predictions have not been assessed experimentally. Based on the application of ACMG criteria, the p.Trp265Arg variant is classified as likely pathogenic for FBXW11-related neurodevelopmental, brain, eye, and digit anomalies.

Juno Genomics, Hangzhou Juno Genomics, Inc
Classification: Likely pathogenic for Neurodevelopmental, jaw, eye, and digital syndrome. Review status: criteria provided, single submitter. Criteria: ACMG Guidelines, 2015. Collection method: clinical testing. Allele origin: germline. Affected: yes.
Comment: Absent from controls (or at extremely low frequency if recessive) in Genome Aggregation Database, Exome Sequencing Project, 1000 Genomes Project, or Exome Aggregation Consortium.;De novo (both maternity and paternity confirmed) in a patient with the disease and no family history.;Multiple lines of computational evidence support a deleterious effect on the gene or gene product (conservation, evolutionary, splicing impact, etc).;Missense variant in a gene that has a low rate of benign missense variation and where missense variants are a common mechanism of disease.;The prevalence of the variant in affected individuals is significantly increased compared to the prevalence in controls.;Patient's phenotype or family history is highly specific for a disease with a single genetic etiology.

Literature cited by the submitters: PubMed 31402090 (cited by Illumina Laboratory Services, Illumina).

NM_001378974.1(FBXW11):c.856T>C (p.Trp286Arg)

Gene: FBXW11 (F-box and WD repeat domain containing 11; minus strand). Cytogenetic location: 5q35.1.
Variant type: single nucleotide variant.
Coding change: c.856T>C on transcript NM_001378974.1 (MANE Select); coding-DNA position 856, T replaced by C.
Protein change: p.Trp286Arg; replaces tryptophan 286 with arginine.
Molecular consequence: missense variant.
Genome position (GRCh38, 1-based): chr5:171,878,126, A>G on the plus strand (T>C on the coding strand, the complement: FBXW11 is on the minus strand). VCF-style: chr5-171878126-A-G. GRCh37 (hg19) VCF-style: chr5-171305130-A-G.
Other names: c.787T>C, p.Trp263Arg (NM_001378975.1); c.760T>C, p.Trp254Arg (NM_001378976.1); c.697T>C, p.Trp233Arg (NM_001378977.1, NM_001378978.1, NM_001378979.1); c.691T>C, p.Trp231Arg (NM_001378980.1, NM_033645.3); c.793T>C, p.Trp265Arg (NM_012300.3); c.754T>C, p.Trp252Arg (NM_033644.3); short protein forms W265R, W231R, W252R, W286R, W233R, W254R, W263R.
Identifiers: ClinVar variation 873503 (VCV000873503.36), dbSNP rs1758225061, ClinGen allele CA362214373.
Genomic context (GRCh38, chr5:171,878,126, plus strand): 5'-AGAGGACAGAGCCTGTGTGTCCTGTTAACACTTTCAAACATTCCAGGCTGGTTTTATCCC[A>G]TATCTATTGAGACAAGATTAGCCACAAACGATGATTAATTATACTATATTTTGATGAATG-3'
Protein context (NP_001365903.1, residues 276-296): SGLRDNSIKI[Trp286Arg]DKTSLECLKV